The following is an entry in ClinVar:

NM_032578.4(MYPN):c.3105G>A (p.Met1035Ile)

Gene: MYPN (myopalladin; plus strand). Cytogenetic location: 10q21.3.
Variant type: single nucleotide variant.
Coding change: c.3105G>A on transcript NM_032578.4 (MANE Select); coding-DNA position 3105, G replaced by A.
Protein change: p.Met1035Ile; replaces methionine 1035 with isoleucine.
Molecular consequence: missense variant. On other transcripts: non-coding transcript variant (2).
Genome position (GRCh38, 1-based): chr10:68,195,479, G>A. VCF-style: chr10-68195479-G-A. GRCh37 (hg19) VCF-style: chr10-69955236-G-A.
Other names: c.3105G>A, p.Met1035Ile (NM_001256267.2); c.2223G>A, p.Met741Ile (NM_001256268.2); c.3105G>A (NM_032578.2); short protein forms M1035I, M741I.
Identifiers: ClinVar variation 1036237 (VCV001036237.8), dbSNP rs764549639, ClinGen allele CA5522950.
Genomic context (GRCh38, chr10:68,195,479, plus strand): 5'-GTTTTAATCTTGCTCTTTTTCTGTTTGTCAGGGGAGAATCAGCTGTTCTGGCCACTTGAT[G>A]GTACAAAGTTTGCCCATTCGCAGTCGGCTAACCTCTGCTGGTCAGTCTCACAGGTAAAGA-3'
Protein context (NP_115967.2, residues 1025-1045): QGRISCSGHL[Met1035Ile]VQSLPIRSRL

ClinVar aggregate classification (germline): Uncertain significance. Review status: criteria provided, multiple submitters, no conflicts (2 of 4 stars). 2 submissions from 2 submitters: Uncertain significance (2). Last evaluated 2024-03-07.

Conditions:
Cardiovascular phenotype. Identifiers: MedGen CN230736.
Dilated cardiomyopathy 1KK (CMD1KK). Identifiers: Orphanet 154, Orphanet 75249, MedGen C3714995, MONDO:0014100, OMIM 615248.

Allele frequency attached by ClinVar (database versions not stated): TOPMed below 0.00001; gnomAD 0.00001; gnomAD exomes 0.00001 and 0.00002; ExAC 0.00002.

Submissions (2):

Ambry Genetics
Classification: Uncertain significance for Cardiovascular phenotype. Last evaluated: 2024-03-07. Review status: criteria provided, single submitter. Criteria: Ambry Variant Classification Scheme 2023. Collection method: clinical testing. Allele origin: germline.

Labcorp Genetics (formerly Invitae), Labcorp
Classification: Uncertain significance for Dilated cardiomyopathy 1KK. Last evaluated: 2022-02-03. Review status: criteria provided, single submitter. Criteria: Invitae Variant Classification Sherloc (09022015). Collection method: clinical testing. Allele origin: germline.
Comment: ClinVar contains an entry for this variant (Variation ID: 1036237). Algorithms developed to predict the effect of missense changes on protein structure and function (SIFT, PolyPhen-2, Align-GVGD) all suggest that this variant is likely to be tolerated. Algorithms developed to predict the effect of sequence changes on RNA splicing suggest that this variant may create or strengthen a splice site. In summary, the available evidence is currently insufficient to determine the role of this variant in disease. Therefore, it has been classified as a Variant of Uncertain Significance. This missense change has been observed in individual(s) with clinical features of MYPN-related conditions (Invitae). This sequence change replaces methionine, which is neutral and non-polar, with isoleucine, which is neutral and non-polar, at codon 1035 of the MYPN protein (p.Met1035Ile). This variant is present in population databases (rs764549639, gnomAD 0.02%).